The following is an entry in ClinVar:

ClinVar aggregate classification (germline): Uncertain significance (1 of 4 stars; one submission).

Submission:

GeneDx
Classification: Uncertain significance. Last evaluated: 2022-01-11. Review status: criteria provided, single submitter. Criteria: GeneDx Variant Classification Process June 2021. Collection method: clinical testing. Allele origin: germline. Affected: yes.
Comment: Not observed at significant frequency in large population cohorts (gnomAD); In silico analysis supports that this missense variant does not alter protein structure/function; Has not been previously published as pathogenic or benign to our knowledge

NM_000180.4(GUCY2D):c.1106G>A (p.Gly369Asp)

Gene: GUCY2D (guanylate cyclase 2D, retinal; plus strand). Cytogenetic location: 17p13.1.
Variant type: single nucleotide variant.
Coding change: c.1106G>A on transcript NM_000180.4 (MANE Select); coding-DNA position 1106, G replaced by A.
Protein change: p.Gly369Asp; replaces glycine 369 with aspartic acid.
Molecular consequence: missense variant.
Genome position (GRCh38, 1-based): chr17:8,006,442, G>A. VCF-style: chr17-8006442-G-A. GRCh37 (hg19) VCF-style: chr17-7909760-G-A.
Other names: short protein forms G369D.
Identifiers: ClinVar variation 1699716 (VCV001699716.2), dbSNP rs2151800429, ClinGen allele CA397947754.
Genomic context (GRCh38, chr17:8,006,442, plus strand): 5'-CCATCTATGACGCGGTCTTCTTGCTGGCAAGGGGCGTGGCAGAAGCGCGGGCTGCCGCAG[G>A]TGGCAGATGGGTGTCCGGAGCAGCTGTGGCCCGCCACATCCGGGATGCGCAGGTCCCTGG-3'
Protein context (NP_000171.1, residues 359-379): RGVAEARAAA[Gly369Asp]GRWVSGAAVA